The following is an entry in ClinVar:

NM_001042492.3(NF1):c.8398G>A (p.Glu2800Lys)

Gene: NF1 (neurofibromin 1; plus strand). Cytogenetic location: 17q11.2.
Variant type: single nucleotide variant.
Coding change: c.8398G>A on transcript NM_001042492.3 (MANE Select); coding-DNA position 8398, G replaced by A.
Protein change: p.Glu2800Lys; replaces glutamic acid 2800 with lysine.
Molecular consequence: missense variant.
Genome position (GRCh38, 1-based): chr17:31,374,033, G>A. VCF-style: chr17-31374033-G-A. GRCh37 (hg19) VCF-style: chr17-29701051-G-A.
Other names: c.8335G>A, p.Glu2779Lys (NM_000267.4); short protein forms E2779K, E2800K.
Identifiers: ClinVar variation 1058187 (VCV001058187.5), dbSNP rs1597882991, ClinGen allele CA399205891.
Genomic context (GRCh38, chr17:31,374,033, plus strand): 5'-AGGAAAAGAAGAAGTAACTGGCTGTTCTCTTTTTCTCCAGGAATCGACAAGGAGAACGTT[G>A]AACTCTCCCCTACCACTGGCCACTGTAACAGTGGACGAACTCGCCACGGATCCGCAAGCC-3'
Protein context (NP_001035957.1, residues 2790-2810): HSPGIDKENV[Glu2800Lys]LSPTTGHCNS

ClinVar aggregate classification (germline): Uncertain significance (1 of 4 stars; one submission).

Conditions:
Neurofibromatosis, type 1 (NF1). Also called: NEUROFIBROMATOSIS, TYPE I, SOMATIC; Neurofibromatosis, type I; VON RECKLINGHAUSEN DISEASE; Peripheral type neurofibromatosis. Identifiers: Orphanet 636, MedGen C0027831, MONDO:0018975, OMIM 162200. Disease mechanism: loss of function.

Allele frequency attached by ClinVar (database versions not stated): gnomAD exomes below 0.00001.
gnomAD v4.1: 2 of 1,614,066 alleles (0.00012%); highest among the groups gnomAD compares: Non-Finnish European, 0.00017%; no homozygotes.

Submission:

Labcorp Genetics (formerly Invitae), Labcorp
Classification: Uncertain significance for Neurofibromatosis, type 1. Last evaluated: 2024-02-15. Review status: criteria provided, single submitter. Criteria: Invitae Variant Classification Sherloc (09022015). Collection method: clinical testing. Allele origin: germline.
Comment: This sequence change replaces glutamic acid, which is acidic and polar, with lysine, which is basic and polar, at codon 2779 of the NF1 protein (p.Glu2779Lys). This variant is not present in population databases (gnomAD no frequency). This variant has not been reported in the literature in individuals affected with NF1-related conditions. ClinVar contains an entry for this variant (Variation ID: 1058187). Advanced modeling of protein sequence and biophysical properties (such as structural, functional, and spatial information, amino acid conservation, physicochemical variation, residue mobility, and thermodynamic stability) performed at Invitae indicates that this missense variant is not expected to disrupt NF1 protein function with a negative predictive value of 95%. In summary, the available evidence is currently insufficient to determine the role of this variant in disease. Therefore, it has been classified as a Variant of Uncertain Significance.